The following is an entry in ClinVar:

NM_000551.4(VHL):c.463+37_463+39del

Genes: VHL (von Hippel-Lindau tumor suppressor; plus strand), LOC107303340 (3p25 von Hippel-Lindau tumor suppressor, E3 ubiquitin protein ligase Alu-mediated recombination region; plus strand). Cytogenetic location: 3p25.3.
Variant type: Microsatellite.
Coding change: c.463+37_463+39del on transcript NM_000551.4 (MANE Select); bases 37 to 39 of the intron after coding-DNA position 463, 3 bases deleted (TGT; older notation c.463+37_463+39delTGT).
Molecular consequence: intron variant.
Genome position (GRCh38, 1-based): chr3:10,146,673-10,146,675, TGT deleted; deleting any 3 consecutive bases within chr3:10,146,668-10,146,675 gives the same sequence; the c. name uses the placement nearest the transcript's 3' end. VCF-style (leftmost placement, unchanged base first): chr3-10146667-GGTT-G. GRCh37 (hg19) VCF-style: chr3-10188351-GGTT-G.
Other names: c.463+32_463+34delGTT (NM_000551.3); c.*18-3114_*18-3112del (NM_001354723.2); c.341-3114_341-3112del (NM_198156.3); c.463+37_463+39delTGT (NM_000551.4).
Identifiers: ClinVar variation 223218 (VCV000223218.14), dbSNP rs869025658, ClinGen allele CA357094.

ClinVar aggregate classification (germline): Benign/Likely benign. Review status: criteria provided, multiple submitters, no conflicts (2 of 4 stars). 7 submissions from 7 submitters: Benign (3); Likely benign (2). 2 of the submissions do not count toward it. Last evaluated 2025-03-04.

Conditions:
VHL-related disorder. Also called: VHL-related condition.
Chuvash polycythemia. Also called: POLYCYTHEMIA, VHL-DEPENDENT. Identifiers: Orphanet 238557, MedGen C1837915, MONDO:0009892, OMIM 263400.
Von Hippel-Lindau syndrome (VHLS). Also called: von Hippel–Lindau syndrome; VHL syndrome; Von Hippel-Lindau. Identifiers: Orphanet 892, MedGen C0019562, MONDO:0008667, OMIM 193300. Disease mechanism: loss of function.
Hereditary cancer-predisposing syndrome. Also called: Neoplastic Syndromes, Hereditary; Hereditary neoplastic syndrome; Tumor predisposition; Hereditary Cancer Syndrome. Identifiers: Orphanet 140162, MedGen C0027672, MeSH D009386, MONDO:0015356.

Submissions (7):

Center for Genomic Medicine, Rigshospitalet, Copenhagen University Hospital
Classification: Likely benign. Last evaluated: 2025-03-04. Review status: criteria provided, single submitter. Criteria: ACMG Guidelines, 2015. Collection method: clinical testing. Allele origin: germline.

Ambry Genetics
Classification: Benign for Hereditary cancer-predisposing syndrome. Last evaluated: 2023-12-21. Review status: criteria provided, single submitter. Criteria: Ambry Variant Classification Scheme 2023. Collection method: clinical testing. Allele origin: germline.

Labcorp Genetics (formerly Invitae), Labcorp
Classification: Benign for Von Hippel-Lindau syndrome; Chuvash polycythemia. Last evaluated: 2022-10-24. Review status: criteria provided, single submitter. Criteria: Invitae Variant Classification Sherloc (09022015). Collection method: clinical testing. Allele origin: germline.

Sema4
Classification: Benign for Hereditary cancer-predisposing syndrome. Last evaluated: 2021-06-08. Review status: criteria provided, single submitter. Criteria: Sema4 Curation Guidelines. Collection method: curation. Allele origin: germline.

GeneDx
Classification: Likely benign. Last evaluated: 2020-06-05. Review status: criteria provided, single submitter. Criteria: GeneDx Variant Classification Process June 2021. Collection method: clinical testing. Allele origin: germline. Affected: yes.
Comment: This variant is associated with the following publications: (PMID: 31368132)

PreventionGenetics, part of Exact Sciences
Classification: Likely benign for VHL-related condition. Last evaluated: 2024-05-23. Review status: no assertion criteria provided. Collection method: clinical testing. Allele origin: germline. Not counted in ClinVar's aggregate classification.
Comment: This variant is classified as likely benign based on ACMG/AMP sequence variant interpretation guidelines (Richards et al. 2015 PMID: 25741868, with internal and published modifications).

Genomic Diagnostic Laboratory, Division of Genomic Diagnostics, Children's Hospital of Philadelphia
Classification: Likely benign for Von Hippel-Lindau syndrome. Last evaluated: 2016-02-26. Review status: no assertion criteria provided. Collection method: clinical testing. Allele origin: germline. Observed: 1 variant allele. Not counted in ClinVar's aggregate classification.